The following is an entry in ClinVar:

ClinVar aggregate classification (germline): Conflicting classifications of pathogenicity. Review status: criteria provided, conflicting classifications (1 of 4 stars). 2 submissions from 2 submitters: Uncertain significance (1); Benign (1). Last evaluated 2025-09-25.

Conditions:
Fanconi anemia complementation group O. Also called: RAD51C-Related Fanconi Anemia. Identifiers: Orphanet 84, MedGen C3150653, MONDO:0013248, OMIM 613390.
Hereditary cancer-predisposing syndrome. Also called: Hereditary neoplastic syndrome; Neoplastic Syndromes, Hereditary; Tumor predisposition; Hereditary Cancer Syndrome. Identifiers: Orphanet 140162, MedGen C0027672, MeSH D009386, MONDO:0015356.

Allele frequency attached by ClinVar (database versions not stated): TOPMed below 0.00001; gnomAD 0.00001; gnomAD exomes 0.00001 and 0.00002; ExAC 0.00004.
gnomAD v4.1: 11 of 1,613,244 alleles (0.00068%); highest among the groups gnomAD compares: South Asian, 0.0077%; no homozygotes.

Submissions (2):

Ambry Genetics
Classification: Benign for Hereditary cancer-predisposing syndrome. Last evaluated: 2025-09-25. Review status: criteria provided, single submitter. Criteria: Ambry Variant Classification Scheme 2023. Collection method: clinical testing. Allele origin: germline.

Labcorp Genetics (formerly Invitae), Labcorp
Classification: Uncertain significance for Fanconi anemia complementation group O. Last evaluated: 2024-09-25. Review status: criteria provided, single submitter. Criteria: Invitae Variant Classification Sherloc (09022015). Collection method: clinical testing. Allele origin: germline.
Comment: This sequence change replaces threonine, which is neutral and polar, with isoleucine, which is neutral and non-polar, at codon 349 of the RAD51C protein (p.Thr349Ile). This variant is present in population databases (rs776823687, gnomAD 0.02%). This variant has not been reported in the literature in individuals affected with RAD51C-related conditions. ClinVar contains an entry for this variant (Variation ID: 480507). An algorithm developed to predict the effect of missense changes on protein structure and function (PolyPhen-2) suggests that this variant is likely to be tolerated. In summary, the available evidence is currently insufficient to determine the role of this variant in disease. Therefore, it has been classified as a Variant of Uncertain Significance.

NM_058216.3(RAD51C):c.1046C>T (p.Thr349Ile)

Gene: RAD51C (RAD51 paralog C; plus strand). Cytogenetic location: 17q22.
Variant type: single nucleotide variant.
Coding change: c.1046C>T on transcript NM_058216.3 (MANE Select); coding-DNA position 1046, C replaced by T.
Protein change: p.Thr349Ile; replaces threonine 349 with isoleucine.
Molecular consequence: missense variant. On other transcripts: non-coding transcript variant (1).
Genome position (GRCh38, 1-based): chr17:58,734,137, C>T. VCF-style: chr17-58734137-C-T. GRCh37 (hg19) VCF-style: chr17-56811498-C-T.
Other names: short protein forms T349I.
Identifiers: ClinVar variation 480507 (VCV000480507.15), dbSNP rs776823687, ClinGen allele CA8677408.